The following is an entry in ClinVar:

ClinVar aggregate classification (germline): Uncertain significance (1 of 4 stars; one submission).

Submission:

GeneDx
Classification: Uncertain significance. Last evaluated: 2023-02-07. Review status: criteria provided, single submitter. Criteria: GeneDx Variant Classification Process June 2021. Collection method: clinical testing. Allele origin: germline. Affected: yes.
Comment: Not observed at significant frequency in large population cohorts (gnomAD); In silico analysis supports that this missense variant has a deleterious effect on protein structure/function; Has not been previously published as pathogenic or benign to our knowledge

NM_006662.3(SRCAP):c.1935G>A (p.Met645Ile)

Gene: SRCAP (Snf2 related CREBBP activator protein; plus strand). Cytogenetic location: 16p11.2.
Variant type: single nucleotide variant.
Coding change: c.1935G>A on transcript NM_006662.3 (MANE Select); coding-DNA position 1935, G replaced by A.
Protein change: p.Met645Ile; replaces methionine 645 with isoleucine.
Molecular consequence: missense variant.
Genome position (GRCh38, 1-based): chr16:30,712,381, G>A. VCF-style: chr16-30712381-G-A. GRCh37 (hg19) VCF-style: chr16-30723702-G-A.
Other names: short protein forms M645I.
Identifiers: ClinVar variation 2574746 (VCV002574746.1), dbSNP rs2506631426, ClinGen allele CA395607328.